The following is an entry in ClinVar:

NM_014856.3(DENND4B):c.2103C>T (p.Tyr701=)

Gene: DENND4B (DENN domain containing 4B; minus strand). Cytogenetic location: 1q21.3.
Variant type: single nucleotide variant.
Coding change: c.2103C>T on transcript NM_014856.3 (MANE Select); coding-DNA position 2103, C replaced by T.
Protein change: p.Tyr701=; no amino-acid change (tyrosine 701 retained).
Molecular consequence: synonymous variant.
Genome position (GRCh38, 1-based): chr1:153,937,726, G>A on the plus strand (C>T on the coding strand, the complement: DENND4B is on the minus strand). VCF-style: chr1-153937726-G-A. GRCh37 (hg19) VCF-style: chr1-153910202-G-A.
Other names: NC_000001.10:g.153910202G>A; c.2136C>T, p.Tyr712= (NM_001367466.1).
Identifiers: ClinVar variation 3052690 (VCV003052690.3), dbSNP rs2297896, ClinGen allele CA1121553.

ClinVar aggregate classification (germline): Benign (0 of 4 stars; one submission).

Conditions:
DENND4B-related disorder. Also called: DENND4B-related condition.

Allele frequency attached by ClinVar (database versions not stated): ESP Exome Variant Server 0.00008; gnomAD exomes 0.00037; gnomAD 0.00074; TOPMed 0.00089; ExAC 0.00147; 1000 Genomes Project 0.00240; 1000 Genomes Project 30x 0.00250.
gnomAD v4.1: 737 of 1,614,068 alleles (0.046%); highest among the groups gnomAD compares: East Asian, 1.3%; 8 homozygotes.

Submissions (6):

PreventionGenetics, part of Exact Sciences
Classification: Benign for DENND4B-related condition. Last evaluated: 2019-09-04. Review status: no assertion criteria provided. Collection method: clinical testing. Allele origin: germline.
Comment: This variant is classified as benign based on ACMG/AMP sequence variant interpretation guidelines (Richards et al. 2015 PMID: 25741868, with internal and published modifications).

Dr. Peter K. Rogan Lab, Western University
No classification provided (evidence only). Condition: Gastric cancer. Review status: no classification provided. Collection method: in vitro. Allele origin: not applicable. Functional consequence: retained intron. Not counted in ClinVar's aggregate classification.

Dr. Peter K. Rogan Lab, Western University
No classification provided (evidence only). Condition: Gastric cancer. Review status: no classification provided. Collection method: in vitro. Allele origin: not applicable. Functional consequence: retained intron. Not counted in ClinVar's aggregate classification.

Dr. Peter K. Rogan Lab, Western University
No classification provided (evidence only). Condition: Malignant tumor of esophagus. Review status: no classification provided. Collection method: in vitro. Allele origin: not applicable. Functional consequence: retained intron. Not counted in ClinVar's aggregate classification.

Dr. Peter K. Rogan Lab, Western University
No classification provided (evidence only). Condition: Malignant tumor of esophagus. Review status: no classification provided. Collection method: in vitro. Allele origin: not applicable. Functional consequence: retained intron. Not counted in ClinVar's aggregate classification.

Dr. Peter K. Rogan Lab, Western University
No classification provided (evidence only). Condition: Ovarian cancer. Review status: no classification provided. Collection method: in vitro. Allele origin: not applicable. Functional consequence: retained intron. Not counted in ClinVar's aggregate classification.